The following is an entry in ClinVar:

NC_000002.11:g.(?_233201169)_(233201340_?)dup

Gene: DIS3L2 (DIS3 like 3'-5' exoribonuclease 2; plus strand). Cytogenetic location: 2q37.1.
Variant type: Duplication.
Identifiers: ClinVar variation 1376909 (VCV001376909.5).

ClinVar aggregate classification (germline): Uncertain significance (1 of 4 stars; one submission).

Conditions:
Perlman syndrome (PRLMNS). Identifiers: Orphanet 2849, MedGen C0796113, MONDO:0009965, OMIM 267000.

Submission:

Labcorp Genetics (formerly Invitae), Labcorp
Classification: Uncertain significance for Perlman syndrome. Last evaluated: 2022-08-23. Review status: criteria provided, single submitter. Criteria: Invitae Variant Classification Sherloc (09022015). Collection method: clinical testing. Allele origin: germline.
Comment: A copy number gain of the genomic region encompassing the full coding sequence of the DIS3L2 gene has been identified. The boundaries of this event are unknown as they extend beyond the assayed region for this gene and therefore may encompass additional genes. As the precise location of this event is unknown, it may be in tandem or it may be located elsewhere in the genome. This variant has not been reported in the literature in individuals affected with DIS3L2-related conditions. In summary, the available evidence is currently insufficient to determine the role of this variant in disease. Therefore, it has been classified as a Variant of Uncertain Significance.